The following is an entry in ClinVar:

NM_000179.3(MSH6):c.458-16del

Gene: MSH6 (mutS homolog 6; plus strand). Cytogenetic location: 2p16.3.
Variant type: Deletion.
Coding change: c.458-16del on transcript NM_000179.3 (MANE Select); 16 bases into the intron before coding-DNA position 458, one base deleted (A; older notation c.458-16delA).
Molecular consequence: intron variant.
Genome position (GRCh38, 1-based): chr2:47,795,878, A deleted; the last of 3 consecutive A bases (chr2:47,795,876-47,795,878); deleting any one gives the same sequence. VCF-style (leftmost placement, unchanged base first): chr2-47795875-TA-T. GRCh37 (hg19) VCF-style: chr2-48023014-TA-T.
Other names: c.-84delA (NM_001406807.1); c.-279-2733del (NM_001281493.2); c.238-2733del (NM_001281492.2); c.-445-16del (NM_001281494.2).
Identifiers: ClinVar variation 2039274 (VCV002039274.5), dbSNP rs1669049595, ClinGen allele CA1030315933.

ClinVar aggregate classification (germline): Likely benign. Review status: criteria provided, multiple submitters, no conflicts (2 of 4 stars). 2 submissions from 2 submitters: Likely benign (2). Last evaluated 2024-12-18.

Conditions:
Lynch syndrome 5 (LYNCH5). Also called: Hereditary non-polyposis colorectal cancer, type 5; Colorectal cancer, hereditary nonpolyposis, type 5. Identifiers: Orphanet 144, MedGen C1833477, MONDO:0013710, OMIM 614350. Disease mechanism: loss of function.
Hereditary nonpolyposis colorectal neoplasms. Identifiers: MedGen C0009405, MeSH D003123.

Submissions (2):

Myriad Genetics, Inc.
Classification: Likely benign for Lynch syndrome 5. Last evaluated: 2024-12-18. Review status: criteria provided, single submitter. Criteria: Myriad Autosomal Dominant, Autosomal Recessive and X-Linked Classification Criteria (2023). Collection method: clinical testing. Allele origin: unknown.
Comment: This variant is considered likely benign. This variant is intronic and is not expected to impact mRNA splicing.

Labcorp Genetics (formerly Invitae), Labcorp
Classification: Likely benign for Hereditary nonpolyposis colorectal neoplasms. Last evaluated: 2023-03-14. Review status: criteria provided, single submitter. Criteria: Invitae Variant Classification Sherloc (09022015). Collection method: clinical testing. Allele origin: germline.